The following is an entry in ClinVar:

NM_012307.5(EPB41L3):c.3256G>T (p.Glu1086Ter)

Gene: EPB41L3 (erythrocyte membrane protein band 4.1 like 3; minus strand). Cytogenetic location: 18p11.31.
Variant type: single nucleotide variant.
Coding change: c.3256G>T on transcript NM_012307.5 (MANE Select); coding-DNA position 3256, G replaced by T.
Protein change: p.Glu1086Ter; replaces glutamic acid 1086 with a stop codon.
Molecular consequence: nonsense. On other transcripts: intron variant (4).
Genome position (GRCh38, 1-based): chr18:5,394,691, C>A on the plus strand (G>T on the coding strand, the complement: EPB41L3 is on the minus strand). VCF-style: chr18-5394691-C-A. GRCh37 (hg19) VCF-style: chr18-5394690-C-A.
Other names: c.2590G>T, p.Glu864Ter (NM_001281534.3); c.2263G>T, p.Glu755Ter (NM_001281535.2, NM_001384683.1); c.2749G>T, p.Glu917Ter (NM_001330557.2, NM_001384684.1); c.3310G>T, p.Glu1104Ter (NM_001384685.1); c.2713G>T, p.Glu905Ter (NM_001384686.1); c.2695G>T, p.Glu899Ter (NM_001384687.1, NM_001384688.1); c.2668G>T, p.Glu890Ter (NM_001384689.1, NM_001384690.1); c.2626G>T, p.Glu876Ter (NM_001384691.1); and 16 more; short protein forms E749*, E849*, E868*, E872*, E876*, E1086*, E1104*, E763*.
Identifiers: ClinVar variation 4981789 (VCV004981789.1).

ClinVar aggregate classification (germline): Uncertain significance (1 of 4 stars; one submission).

Conditions:
EPB41L3-related condition.

gnomAD v4.1: 11 of 1,614,024 alleles (0.00068%); highest among the groups gnomAD compares: Admixed American, 0.018%; no homozygotes.

Submission:

PreventionGenetics, part of Exact Sciences
Classification: Uncertain significance for EPB41L3-related condition. Last evaluated: 2025-12-08. Review status: criteria provided, single submitter. Criteria: ACMG Guidelines, 2015. Collection method: clinical testing. Allele origin: germline.
Comment: The EPB41L3 c.3256G>T variant is predicted to result in premature protein termination (p.Glu1086*). To our knowledge, this variant has not been reported in the literature. Loss of function is not an established mechanism of EPB41L3-related disease. This variant is reported in 0.026% of alleles in individuals of Latino descent in gnomAD. At this time, the clinical significance of this variant is uncertain due to the absence of conclusive functional and genetic evidence.